The following is an entry in ClinVar:

NM_004100.5(EYA4):c.512G>T (p.Gly171Val)

Gene: EYA4 (EYA transcriptional coactivator and phosphatase 4; plus strand). Cytogenetic location: 6q23.2.
Variant type: single nucleotide variant.
Coding change: c.512G>T on transcript NM_004100.5 (MANE Select); coding-DNA position 512, G replaced by T.
Protein change: p.Gly171Val; replaces glycine 171 with valine.
Molecular consequence: missense variant.
Genome position (GRCh38, 1-based): chr6:133,462,409, G>T. VCF-style: chr6-133462409-G-T. GRCh37 (hg19) VCF-style: chr6-133783547-G-T.
Other names: c.350G>T, p.Gly117Val (NM_001301012.2, NM_001370459.1); c.512G>T, p.Gly171Val (NM_001301013.2, NM_172105.4); c.443G>T, p.Gly148Val (NM_001370458.1, NM_172103.4); short protein forms G148V, G117V, G171V.
Identifiers: ClinVar variation 667234 (VCV000667234.9), dbSNP rs1157191952, ClinGen allele CA365698039.

ClinVar aggregate classification (germline): Uncertain significance. Review status: criteria provided, multiple submitters, no conflicts (2 of 4 stars). 3 submissions from 3 submitters: Uncertain significance (3). Last evaluated 2025-12-23.

Conditions:
Dilated cardiomyopathy 1J (CMD1J). Also called: CARDIOMYOPATHY, DILATED, WITH SENSORINEURAL HEARING LOSS, AUTOSOMAL DOMINANT. Identifiers: Orphanet 217622, MedGen C1854368, MONDO:0011541, OMIM 605362.
EYA4-related disorder. Also called: EYA4-related disorders; EYA4-related condition. Identifiers: MedGen CN239388.

Allele frequency attached by ClinVar (database versions not stated): gnomAD exomes below 0.00001 and 0.00001; TOPMed below 0.00001.
gnomAD v4.1: 2 of 1,613,932 alleles (0.00012%); highest among the groups gnomAD compares: Admixed American, 0.0033%; no homozygotes.

Submissions (3):

PreventionGenetics, part of Exact Sciences
Classification: Uncertain significance for EYA4-related condition. Last evaluated: 2025-12-23. Review status: criteria provided, single submitter. Criteria: ACMG Guidelines, 2015. Collection method: clinical testing. Allele origin: germline.
Comment: The EYA4 c.512G>T variant is predicted to result in the amino acid substitution p.Gly171Val. To our knowledge, this variant has not been reported in the literature. This variant is reported in 0.0058% of alleles in individuals of Latino descent in gnomAD. An alternative variant at the same codon (p.Gly171Arg) was segregated with autosomal dominant sensorineural hearing loss in a single large family (Liu et al. 2015. PubMed ID: 25961296). At this time, the clinical significance of this variant is uncertain due to the absence of conclusive functional and genetic evidence.

Labcorp Genetics (formerly Invitae), Labcorp
Classification: Uncertain significance for Dilated cardiomyopathy 1J. Last evaluated: 2025-11-20. Review status: criteria provided, single submitter. Criteria: Invitae Variant Classification Sherloc (09022015). Collection method: clinical testing. Allele origin: germline.
Comment: This sequence change replaces glycine, which is neutral and non-polar, with valine, which is neutral and non-polar, at codon 171 of the EYA4 protein (p.Gly171Val). This variant is present in population databases (no rsID available, gnomAD 0.006%). This variant has not been reported in the literature in individuals affected with EYA4-related conditions. ClinVar contains an entry for this variant (Variation ID: 667234). An algorithm developed to predict the effect of missense changes on protein structure and function (PolyPhen-2) suggests that this variant is likely to be disruptive. This variant disrupts the p.Gly171 amino acid residue in EYA4. Other variant(s) that disrupt this residue have been determined to be pathogenic (PMID: 25961296). This suggests that this residue is clinically significant, and that variants that disrupt this residue are likely to be disease-causing. In summary, the available evidence is currently insufficient to determine the role of this variant in disease. Therefore, it has been classified as a Variant of Uncertain Significance.

Laboratory for Molecular Medicine, Mass General Brigham Personalized Medicine
Classification: Uncertain significance. Last evaluated: 2018-10-02. Review status: criteria provided, single submitter. Criteria: LMM Criteria. Collection method: clinical testing. Allele origin: germline. Observed: 1 variant allele.
Comment: The p.Gly171Val variant in EYA4 has not been previously reported in individuals with hearing loss, but has been identified in 0.006% (2/33558) of Latino chromos omes by gnomAD. Computational prediction tool s and conservation analysis do not provide strong support for or against an impa ct to the protein. In summary, the clinical significance of the p.Gly171Val vari ant is uncertain. ACMG/AMP Criteria applied: None.

Literature cited by the submitters: PubMed 25961296 (cited by Labcorp Genetics (formerly Invitae), Labcorp).